The following is an entry in ClinVar:

NM_002485.5(NBN):c.1858A>G (p.Ile620Val)

Genes: NBN (nibrin; minus strand), LOC126860438 (MED14-independent group 3 enhancer GRCh37_chr8:90959982-90961181; plus strand). Cytogenetic location: 8q21.3.
Variant type: single nucleotide variant.
Coding change: c.1858A>G on transcript NM_002485.5 (MANE Select); coding-DNA position 1858, A replaced by G.
Protein change: p.Ile620Val; replaces isoleucine 620 with valine.
Molecular consequence: missense variant.
Genome position (GRCh38, 1-based): chr8:89,947,880, T>C on the plus strand (A>G on the coding strand, the complement: NBN is on the minus strand). VCF-style: chr8-89947880-T-C. GRCh37 (hg19) VCF-style: chr8-90960108-T-C.
Other names: c.1612A>G, p.Ile538Val (NM_001024688.3); short protein forms I538V, I620V.
Identifiers: ClinVar variation 1011836 (VCV001011836.7), dbSNP rs1810270999, ClinGen allele CA371677298.
Genomic context (GRCh38, chr8:89,947,880, plus strand): 5'-TCACAGATATTTCTTTAGCTGACCATAGTGAGTCTTCCTTGAGTTCACGTTTCTTCCCAA[T>C]TTCATTTTCTTGCTAAAGAAATAAAATAAAAAATACTGTTCATAGGAGTAATAAAATGGT-3'
Protein context (NP_002476.2, residues 610-630): ESSKISQENE[Ile620Val]GKKRELKEDS

ClinVar aggregate classification (germline): Uncertain significance (1 of 4 stars; one submission).

Conditions:
Microcephaly, normal intelligence and immunodeficiency (NBS). Also called: SEEMANOVA SYNDROME II; IMMUNODEFICIENCY, MICROCEPHALY, AND CHROMOSOMAL INSTABILITY; Ataxia telangiectasia variant V1; BERLIN BREAKAGE SYNDROME; Nijmegen breakage syndrome; Microcephaly with normal intelligence immunodeficiency and lymphoreticular malignancies. Identifiers: Orphanet 647, MedGen C0398791, MONDO:0009623, OMIM 251260.

Allele frequency attached by ClinVar (database versions not stated): gnomAD exomes below 0.00001; gnomAD 0.00001.
gnomAD v4.1: 4 of 1,564,380 alleles (0.00026%); highest among the groups gnomAD compares: South Asian, 0.0023%; no homozygotes.

Submission:

Labcorp Genetics (formerly Invitae), Labcorp
Classification: Uncertain significance for Microcephaly, normal intelligence and immunodeficiency. Last evaluated: 2021-11-17. Review status: criteria provided, single submitter. Criteria: Invitae Variant Classification Sherloc (09022015). Collection method: clinical testing. Allele origin: germline.
Comment: In summary, the available evidence is currently insufficient to determine the role of this variant in disease. Therefore, it has been classified as a Variant of Uncertain Significance. Algorithms developed to predict the effect of missense changes on protein structure and function output the following: SIFT: "Tolerated"; PolyPhen-2: "Benign"; Align-GVGD: "Class C0". The valine amino acid residue is found in multiple mammalian species, which suggests that this missense change does not adversely affect protein function. ClinVar contains an entry for this variant (Variation ID: 1011836). This variant has not been reported in the literature in individuals affected with NBN-related conditions. This variant is not present in population databases (gnomAD no frequency). This sequence change replaces isoleucine, which is neutral and non-polar, with valine, which is neutral and non-polar, at codon 620 of the NBN protein (p.Ile620Val).